The following is an entry in ClinVar:

NM_001378457.1(DMXL2):c.4997C>T (p.Ala1666Val)

Gene: DMXL2 (Dmx like 2; minus strand). Cytogenetic location: 15q21.2.
Variant type: single nucleotide variant.
Coding change: c.4997C>T on transcript NM_001378457.1 (MANE Select); coding-DNA position 4997, C replaced by T.
Protein change: p.Ala1666Val; replaces alanine 1666 with valine.
Molecular consequence: missense variant. On other transcripts: non-coding transcript variant (2).
Genome position (GRCh38, 1-based): chr15:51,488,602, G>A on the plus strand (C>T on the coding strand, the complement: DMXL2 is on the minus strand). VCF-style: chr15-51488602-G-A. GRCh37 (hg19) VCF-style: chr15-51780799-G-A.
Other names: c.4997C>T, p.Ala1666Val (NM_001174116.3, NM_001378458.1, NM_001378459.1 and 4 more transcripts); c.3089C>T, p.Ala1030Val (NM_001174117.3); c.2978C>T, p.Ala993Val (NM_001378460.1); c.4757C>T, p.Ala1586Val (NM_001378464.1); short protein forms A1586V, A1030V, A1666V, A993V.
Identifiers: ClinVar variation 1986876 (VCV001986876.2), dbSNP rs951870664, ClinGen allele CA270566007.

ClinVar aggregate classification (germline): Uncertain significance (1 of 4 stars; one submission).

Allele frequency attached by ClinVar (database versions not stated): gnomAD exomes below 0.00001; gnomAD 0.00001; TOPMed 0.00002.
gnomAD v4.1: 5 of 1,612,818 alleles (0.00031%); highest among the groups gnomAD compares: African/African-American, 0.004%; no homozygotes.

Submission:

Labcorp Genetics (formerly Invitae), Labcorp
Classification: Uncertain significance. Last evaluated: 2022-08-03. Review status: criteria provided, single submitter. Criteria: Invitae Variant Classification Sherloc (09022015). Collection method: clinical testing. Allele origin: germline.
Comment: This sequence change replaces alanine, which is neutral and non-polar, with valine, which is neutral and non-polar, at codon 1666 of the DMXL2 protein (p.Ala1666Val). This variant is present in population databases (no rsID available, gnomAD 0.01%). This variant has not been reported in the literature in individuals affected with DMXL2-related conditions. Algorithms developed to predict the effect of missense changes on protein structure and function are either unavailable or do not agree on the potential impact of this missense change (SIFT: "Deleterious"; PolyPhen-2: "Probably Damaging"; Align-GVGD: "Class C0"). In summary, the available evidence is currently insufficient to determine the role of this variant in disease. Therefore, it has been classified as a Variant of Uncertain Significance.